The following is an entry in ClinVar:

ClinVar aggregate classification (germline): Likely benign (1 of 4 stars; one submission).

Submission:

Biesecker Lab/Clinical Genomics Section, National Institutes of Health
Classification: Likely benign. Last evaluated: 2013-06-24. Review status: criteria provided, single submitter. Criteria: Ng et al. (Circ Cardiovasc Genet. 2013). Collection method: research. Allele origin: unknown. Observed: 1 variant allele. Study: ClinSeq.
Comment: The study set was not selected for affection status in relation to any cancer. Pathogenicity categories were based on literature curation. See Pubmed ID:23861362 for details.

Medical sequencing

NM_001267550.2(TTN):c.66976A>G (p.Lys22326Glu)

Genes: TTN (titin; minus strand), TTN-AS1 (TTN antisense RNA 1; plus strand). Cytogenetic location: 2q31.2.
Variant type: single nucleotide variant.
Coding change: c.66976A>G on transcript NM_001267550.2 (MANE Select); coding-DNA position 66976, A replaced by G.
Protein change: p.Lys22326Glu; replaces lysine 22326 with glutamic acid.
Molecular consequence: missense variant.
Genome position (GRCh38, 1-based): chr2:178,580,403, T>C on the plus strand (A>G on the coding strand, the complement: TTN is on the minus strand). VCF-style: chr2-178580403-T-C. GRCh37 (hg19) VCF-style: chr2-179445130-T-C.
Other names: c.62053A>G, p.Lys20685Glu (NM_001256850.1); c.39781A>G, p.Lys13261Glu (NM_003319.4); c.59272A>G, p.Lys19758Glu (NM_133378.4); c.40156A>G, p.Lys13386Glu (NM_133432.3); c.40357A>G, p.Lys13453Glu (NM_133437.4); short protein forms K19758E, K22326E, K13453E, K13261E, K13386E, K20685E.
Identifiers: ClinVar variation 192161 (VCV000192161.1), dbSNP rs786205383, ClinGen allele CA238489.